The following is an entry in ClinVar:

ClinVar aggregate classification (germline): Uncertain significance (1 of 4 stars; one submission).

Submission:

Labcorp Genetics (formerly Invitae), Labcorp
Classification: Uncertain significance. Last evaluated: 2022-04-24. Review status: criteria provided, single submitter. Criteria: Invitae Variant Classification Sherloc (09022015). Collection method: clinical testing. Allele origin: germline.
Comment: In summary, the available evidence is currently insufficient to determine the role of this variant in disease. Therefore, it has been classified as a Variant of Uncertain Significance. Advanced modeling of protein sequence and biophysical properties (such as structural, functional, and spatial information, amino acid conservation, physicochemical variation, residue mobility, and thermodynamic stability) performed at Invitae indicates that this missense variant is not expected to disrupt LRP2 protein function. This variant has not been reported in the literature in individuals affected with LRP2-related conditions. This variant is not present in population databases (gnomAD no frequency). This sequence change replaces glutamine, which is neutral and polar, with proline, which is neutral and non-polar, at codon 4336 of the LRP2 protein (p.Gln4336Pro).

NM_004525.3(LRP2):c.13007A>C (p.Gln4336Pro)

Gene: LRP2 (LDL receptor related protein 2; minus strand). Cytogenetic location: 2q31.1.
Variant type: single nucleotide variant.
Coding change: c.13007A>C on transcript NM_004525.3 (MANE Select); coding-DNA position 13007, A replaced by C.
Protein change: p.Gln4336Pro; replaces glutamine 4336 with proline.
Molecular consequence: missense variant.
Genome position (GRCh38, 1-based): chr2:169,142,775, T>G on the plus strand (A>C on the coding strand, the complement: LRP2 is on the minus strand). VCF-style: chr2-169142775-T-G. GRCh37 (hg19) VCF-style: chr2-169999285-T-G.
Other names: short protein forms Q4336P.
Identifiers: ClinVar variation 2130180 (VCV002130180.4), dbSNP rs2545654068, ClinGen allele CA349125388.